The following is an entry in ClinVar:

ClinVar aggregate classification (germline): Benign/Likely benign. Review status: criteria provided, multiple submitters, no conflicts (2 of 4 stars). 5 submissions from 5 submitters: Benign (1); Likely benign (3). 1 of the submissions does not count toward it. Last evaluated 2025-06-12.

Conditions:
MYH9-related disorder. Identifiers: MedGen C1854520.
Autosomal dominant nonsyndromic hearing loss 17. Also called: Autosomal dominant nonsyndromic deafness 17; Deafness, autosomal dominant 17. Identifiers: Orphanet 90635, MedGen C1863659, MONDO:0011350, OMIM 603622.
Macrothrombocytopenia and granulocyte inclusions with or without nephritis or sensorineural hearing loss (MATINS). Also called: MAY-HEGGLIN ANOMALY; SEBASTIAN PLATELET SYNDROME; MACROTHROMBOCYTOPENIA WITH DISPERSED LEUKOCYTIC INCLUSIONS; MACROTHROMBOCYTOPENIA, NEPHRITIS, AND DEAFNESS; MACROTHROMBOCYTOPENIA, NEPHRITIS, DEAFNESS, AND LEUKOCYTE INCLUSIONS; ALPORT SYNDROME WITH MACROTHROMBOCYTOPENIA. Identifiers: Orphanet 182050, MedGen C5200934, MONDO:0015912, OMIM 155100.

Allele frequency attached by ClinVar (database versions not stated): gnomAD exomes 0.00002; ExAC 0.00004; ESP Exome Variant Server 0.00008; gnomAD 0.00009; TOPMed 0.00015.

Submissions (5):

Labcorp Genetics (formerly Invitae), Labcorp
Classification: Benign. Last evaluated: 2025-06-12. Review status: criteria provided, single submitter. Criteria: Invitae Variant Classification Sherloc (09022015). Collection method: clinical testing. Allele origin: germline.

Fulgent Genetics
Classification: Likely benign for Macrothrombocytopenia and granulocyte inclusions with or without nephritis or sensorineural hearing loss; Autosomal dominant nonsyndromic hearing loss 17. Last evaluated: 2022-01-19. Review status: criteria provided, single submitter. Criteria: ACMG Guidelines, 2015. Collection method: clinical testing. Allele origin: unknown.

Blueprint Genetics
Classification: Likely benign. Last evaluated: 2021-03-24. Review status: criteria provided, single submitter. Criteria: ACMG Guidelines, 2015. Collection method: clinical testing. Allele origin: germline.

CeGaT Center for Human Genetics Tuebingen
Classification: Likely benign. Last evaluated: 2017-08-01. Review status: criteria provided, single submitter. Criteria: CeGaT Center For Human Genetics Tuebingen Variant Classification Criteria Version 2. Collection method: clinical testing. Allele origin: germline. Affected: yes. Observed: 1 variant allele.

PreventionGenetics, part of Exact Sciences
Classification: Likely benign for MYH9-related condition. Last evaluated: 2020-08-04. Review status: no assertion criteria provided. Collection method: clinical testing. Allele origin: germline. Not counted in ClinVar's aggregate classification.
Comment: This variant is classified as likely benign based on ACMG/AMP sequence variant interpretation guidelines (Richards et al. 2015 PMID: 25741868, with internal and published modifications).

NM_002473.6(MYH9):c.4008C>T (p.Asp1336=)

Gene: MYH9 (myosin heavy chain 9; minus strand). Cytogenetic location: 22q12.3.
Variant type: single nucleotide variant.
Coding change: c.4008C>T on transcript NM_002473.6 (MANE Select); coding-DNA position 4008, C replaced by T.
Protein change: p.Asp1336=; no amino-acid change (aspartic acid 1336 retained).
Molecular consequence: synonymous variant.
Genome position (GRCh38, 1-based): chr22:36,293,416, G>A on the plus strand (C>T on the coding strand, the complement: MYH9 is on the minus strand). VCF-style: chr22-36293416-G-A. GRCh37 (hg19) VCF-style: chr22-36689462-G-A.
Other names: c.4008C>T (NM_002473.5).
Identifiers: ClinVar variation 809357 (VCV000809357.49), dbSNP rs373378393, ClinGen allele CA10209488.